The following is an entry in ClinVar:

ClinVar aggregate classification (germline): Uncertain significance (1 of 4 stars; one submission).

Conditions:
Intellectual developmental disorder, autosomal dominant 44, with microcephaly. Also called: Micrognathia-recurrent infections-behavioral abnormalities-mild intellectual disability syndrome; TRIO-Related Intellectual Disability. Identifiers: Orphanet 476126, MedGen C4310740, MONDO:0014892, OMIM 617061.

Submission:

Victorian Clinical Genetics Services, Murdoch Childrens Research Institute
Classification: Uncertain significance for Intellectual developmental disorder, autosomal dominant 44, with microcephaly. Last evaluated: 2020-10-19. Review status: criteria provided, single submitter. Criteria: ACMG Guidelines, 2015. Collection method: clinical testing. Allele origin: germline. Inheritance: Autosomal dominant inheritance.
Comment: Based on the classification scheme VCGS_Germline_v1.1.1, this variant is classified as 3B-VUS. Following criteria are met: 0103 - Both loss- and gain-of-function are known mechanisms of disease for this gene. Loss-of-function variants and missense within the RhoGEF domain are associated with microcephaly while gain-of-function missense within the 7th spectrin repeat are associated with macrocephaly (PMID: 32109419). (N) 0107 - This gene is known to be associated with autosomal dominant disease. (N) 0200 - Variant is predicted to result in a missense amino acid change from serine to glycine (exon 47). (N) 0251 - Variant is heterozygous. (N) 0301 - Variant is absent from gnomAD. (P) 0309 - An alternative amino acid change at the same position has been observed in gnomAD (v3: 1 heterozygote, 0 homozygotes). (N) 0502 - Missense variant with conflicting in silico predictions and/or uninformative conservation. (N) 0600 - Variant is an alpha i/q binding site located in an annotated domain or motif (PH2 domain; NCBI). (N) 0705 - No comparable variants have previous evidence for pathogenicity. (N) 0807 - Variant has not previously been reported in a clinical context. (N) 0905 - No segregation evidence has been identified for this variant. (N) 1007 - No published functional evidence has been identified for this variant. (N) 1208 - Inheritance information for this variant is not currently available. (N) Legend: (P) - Pathogenic, (N) - Neutral, (B) - Benign

Literature cited by the submitters: PubMed 32109419.

NM_007118.4(TRIO):c.6661A>G (p.Ser2221Gly)

Gene: TRIO (trio Rho guanine nucleotide exchange factor; plus strand). Cytogenetic location: 5p15.2.
Variant type: single nucleotide variant.
Coding change: c.6661A>G on transcript NM_007118.4 (MANE Select); coding-DNA position 6661, A replaced by G.
Protein change: p.Ser2221Gly; replaces serine 2221 with glycine.
Molecular consequence: missense variant. On other transcripts: non-coding transcript variant (1).
Genome position (GRCh38, 1-based): chr5:14,485,072, A>G. VCF-style: chr5-14485072-A-G. GRCh37 (hg19) VCF-style: chr5-14485181-A-G.
Other names: short protein forms S2221G.
Identifiers: ClinVar variation 1805839 (VCV001805839.1), dbSNP rs1755821655, ClinGen allele CA359235852.
Genomic context (GRCh38, chr5:14,485,072, plus strand): 5'-TGGTTTGCTTCCTTTCCACCTGTTAGCTATTATGAATAATGTTTTTTTTTTTTTAAGGTG[A>G]GTTGCCTTTGCCTGGAGGAAAATGTGGAAAATGATCCCTGTAAATTTGCTCTGACATCGA-3'
Protein context (NP_009049.2, residues 2211-2231): GFLFKNSIKV[Ser2221Gly]CLCLEENVEN